The following is an entry in ClinVar:

NM_006766.5(KAT6A):c.4599G>T (p.Met1533Ile)

Gene: KAT6A (lysine acetyltransferase 6A; minus strand). Cytogenetic location: 8p11.21.
Variant type: single nucleotide variant.
Coding change: c.4599G>T on transcript NM_006766.5 (MANE Select); coding-DNA position 4599, G replaced by T.
Protein change: p.Met1533Ile; replaces methionine 1533 with isoleucine.
Molecular consequence: missense variant.
Genome position (GRCh38, 1-based): chr8:41,933,621, C>A on the plus strand (G>T on the coding strand, the complement: KAT6A is on the minus strand). VCF-style: chr8-41933621-C-A. GRCh37 (hg19) VCF-style: chr8-41791139-C-A.
Other names: short protein forms M1533I.
Identifiers: ClinVar variation 4747355 (VCV004747355.1).

ClinVar aggregate classification (germline): Uncertain significance (1 of 4 stars; one submission).

Submission:

Labcorp Genetics (formerly Invitae), Labcorp
Classification: Uncertain significance. Last evaluated: 2025-11-10. Review status: criteria provided, single submitter. Criteria: Invitae Variant Classification Sherloc (09022015). Collection method: clinical testing. Allele origin: germline.
Comment: This sequence change replaces methionine, which is neutral and non-polar, with isoleucine, which is neutral and non-polar, at codon 1533 of the KAT6A protein (p.Met1533Ile). This variant is not present in population databases (gnomAD no frequency). This variant has not been reported in the literature in individuals affected with KAT6A-related conditions. Invitae Evidence Modeling of protein sequence and biophysical properties (such as structural, functional, and spatial information, amino acid conservation, physicochemical variation, residue mobility, and thermodynamic stability) indicates that this missense variant is not expected to disrupt KAT6A protein function with a negative predictive value of 95%. In summary, the available evidence is currently insufficient to determine the role of this variant in disease. Therefore, it has been classified as a Variant of Uncertain Significance.